The following is an entry in ClinVar:

ClinVar aggregate classification (germline): Uncertain significance (1 of 4 stars; one submission).

Conditions:
Developmental and epileptic encephalopathy, 1 (DEE1). Also called: INFANTILE SPASM SYNDROME, X-LINKED 1; Epileptic encephalopathy, early infantile, 1; X-linked infantile spasms; West's syndrome; Tonic spasms with clustering, arrest of psychomotor development and hypsarrhythmia on EEG; X-Linked Infantile Spasm Syndrome. Identifiers: MedGen C3463992, MONDO:0010632, OMIM 308350. Disease mechanism: loss of function.
Intellectual disability, X-linked, with or without seizures, ARX-related. Also called: MENTAL RETARDATION, X-LINKED 29; MENTAL RETARDATION, X-LINKED 32; MENTAL RETARDATION, X-LINKED 33; MENTAL RETARDATION, X-LINKED 38; MENTAL RETARDATION, X-LINKED 43; MENTAL RETARDATION, X-LINKED 76. Identifiers: Orphanet 777, MedGen C0796244, MONDO:0010317, OMIM 300419.

Submission:

Labcorp Genetics (formerly Invitae), Labcorp
Classification: Uncertain significance for Developmental and epileptic encephalopathy, 1; Intellectual disability, X-linked, with or without seizures, ARX-related. Last evaluated: 2025-06-23. Review status: criteria provided, single submitter. Criteria: Invitae Variant Classification Sherloc (09022015). Collection method: clinical testing. Allele origin: germline.
Comment: This sequence change replaces leucine, which is neutral and non-polar, with proline, which is neutral and non-polar, at codon 296 of the ARX protein (p.Leu296Pro). This variant is not present in population databases (gnomAD no frequency). This variant has not been reported in the literature in individuals affected with ARX-related conditions. ClinVar contains an entry for this variant (Variation ID: 2001174). Invitae Evidence Modeling of protein sequence and biophysical properties (such as structural, functional, and spatial information, amino acid conservation, physicochemical variation, residue mobility, and thermodynamic stability) indicates that this missense variant is not expected to disrupt ARX protein function with a negative predictive value of 80%. In summary, the available evidence is currently insufficient to determine the role of this variant in disease. Therefore, it has been classified as a Variant of Uncertain Significance.

NM_139058.3(ARX):c.887T>C (p.Leu296Pro)

Gene: ARX (aristaless related homeobox; minus strand). Cytogenetic location: Xp21.3.
Variant type: single nucleotide variant.
Coding change: c.887T>C on transcript NM_139058.3 (MANE Select); coding-DNA position 887, T replaced by C.
Protein change: p.Leu296Pro; replaces leucine 296 with proline.
Molecular consequence: missense variant.
Genome position (GRCh38, 1-based): chrX:25,013,108, A>G on the plus strand (T>C on the coding strand, the complement: ARX is on the minus strand). VCF-style: chrX-25013108-A-G. GRCh37 (hg19) VCF-style: chrX-25031225-A-G.
Other names: short protein forms L296P.
Identifiers: ClinVar variation 2001174 (VCV002001174.4), dbSNP rs754014755, ClinGen allele CA412612234.